The following is an entry in ClinVar:

ClinVar aggregate classification (germline): Uncertain significance (1 of 4 stars; one submission).

Allele frequency attached by ClinVar (database versions not stated): gnomAD 0.00001; gnomAD exomes 0.00001.

Submission:

Labcorp Genetics (formerly Invitae), Labcorp
Classification: Uncertain significance. Last evaluated: 2022-08-13. Review status: criteria provided, single submitter. Criteria: Invitae Variant Classification Sherloc (09022015). Collection method: clinical testing. Allele origin: germline.
Comment: This sequence change falls in intron 19 of the MCM3AP gene. It does not directly change the encoded amino acid sequence of the MCM3AP protein. The frequency data for this variant in the population databases is considered unreliable, as metrics indicate poor data quality at this position in the gnomAD database. This variant has not been reported in the literature in individuals affected with MCM3AP-related conditions. Algorithms developed to predict the effect of sequence changes on RNA splicing suggest that this variant may disrupt the consensus splice site. In summary, the available evidence is currently insufficient to determine the role of this variant in disease. Therefore, it has been classified as a Variant of Uncertain Significance.

NM_003906.5(MCM3AP):c.4137-11T>A

Genes: MCM3AP (minichromosome maintenance complex component 3 associated protein; minus strand), MCM3AP-AS1 (MCM3AP antisense RNA 1; plus strand). Cytogenetic location: 21q22.3.
Variant type: single nucleotide variant.
Coding change: c.4137-11T>A on transcript NM_003906.5 (MANE Select); 11 bases into the intron before coding-DNA position 4137, T replaced by A.
Molecular consequence: intron variant. On other transcripts: non-coding transcript variant (2).
Genome position (GRCh38, 1-based): chr21:46,251,693, A>T on the plus strand (T>A on the coding strand, the complement: MCM3AP is on the minus strand). VCF-style: chr21-46251693-A-T. GRCh37 (hg19) VCF-style: chr21-47671607-A-T.
Identifiers: ClinVar variation 1957130 (VCV001957130.2), dbSNP rs952225946, ClinGen allele CA321980046.
Genomic context (GRCh38, chr21:46,251,693, plus strand): 5'-CTGAGCCTTCATCTCCCATGAACTTGACTTTTAACCAATTTGCTAGAATTCTACAGATTT[A>T]AAAAAAACAAAAAACAAAAAAAACACTTGAAGAATCTAATTCTATATTTGAATTATAAAG-3'